The following is an entry in ClinVar:

ClinVar aggregate classification (germline): Uncertain significance. Review status: criteria provided, multiple submitters, no conflicts (2 of 4 stars). 2 submissions from 2 submitters: Uncertain significance (2). Last evaluated 2026-01-19.

Conditions:
RASopathy. Also called: rasopathies; Noonan spectrum disorder. Identifiers: Orphanet 536391, MedGen C5555857, MONDO:0021060.

Allele frequency attached by ClinVar (database versions not stated): TOPMed 0.00001.

Submissions (2):

Labcorp Genetics (formerly Invitae), Labcorp
Classification: Uncertain significance for RASopathy. Last evaluated: 2026-01-19. Review status: criteria provided, single submitter. Criteria: Invitae Variant Classification Sherloc (09022015). Collection method: clinical testing. Allele origin: germline.
Comment: This sequence change replaces leucine, which is neutral and non-polar, with arginine, which is basic and polar, at codon 332 of the MAP2K1 protein (p.Leu332Arg). This variant is not present in population databases (gnomAD no frequency). This variant has not been reported in the literature in individuals affected with MAP2K1-related conditions. ClinVar contains an entry for this variant (Variation ID: 451946). Invitae Evidence Modeling of protein sequence and biophysical properties (such as structural, functional, and spatial information, amino acid conservation, physicochemical variation, residue mobility, and thermodynamic stability) indicates that this missense variant is not expected to disrupt MAP2K1 protein function with a negative predictive value of 95%. In summary, the available evidence is currently insufficient to determine the role of this variant in disease. Therefore, it has been classified as a Variant of Uncertain Significance.

GeneDx
Classification: Uncertain significance. Last evaluated: 2017-09-08. Review status: criteria provided, single submitter. Criteria: GeneDx Variant Classification (06012015). Collection method: clinical testing. Allele origin: germline. Affected: yes.
Comment: A variant of uncertain significance has been identified in the MAP2K1 gene. The L332R variant has not been published as pathogenic or been reported as benign to our knowledge. This variant is not observed in large population cohorts (Lek et al., 2016; 1000 Genomes Consortium et al., 2015; Exome Variant Server). The L332R variant is a non-conservative amino acid substitution, which is likely to impact secondary protein structure as these residues differ in polarity, charge, size and/or other properties. However, this substitution occurs at a position that is only conserved in mammals, and in silico analysis is inconsistent in its predictions as to whether or not the variant is damaging to the protein structure/function.

NM_002755.4(MAP2K1):c.995T>G (p.Leu332Arg)

Gene: MAP2K1 (mitogen-activated protein kinase kinase 1; plus strand). Cytogenetic location: 15q22.31.
Variant type: single nucleotide variant.
Coding change: c.995T>G on transcript NM_002755.4 (MANE Select); coding-DNA position 995, T replaced by G.
Protein change: p.Leu332Arg; replaces leucine 332 with arginine.
Molecular consequence: missense variant.
Genome position (GRCh38, 1-based): chr15:66,489,249, T>G. VCF-style: chr15-66489249-T-G. GRCh37 (hg19) VCF-style: chr15-66781587-T-G.
Other names: short protein forms L332R.
Identifiers: ClinVar variation 451946 (VCV000451946.3), dbSNP rs1316044036, ClinGen allele CA392938262.